The following is an entry in ClinVar:

NM_001282857.2(XRN1):c.228A>G (p.Lys76=)

Gene: XRN1 (5'-3' exoribonuclease 1; minus strand). Cytogenetic location: 3q23.
Variant type: single nucleotide variant.
Coding change: c.228A>G on transcript NM_001282857.2 (MANE Select); coding-DNA position 228, A replaced by G.
Protein change: p.Lys76=; no amino-acid change (lysine 76 retained).
Molecular consequence: synonymous variant.
Genome position (GRCh38, 1-based): chr3:142,432,741, T>C on the plus strand (A>G on the coding strand, the complement: XRN1 is on the minus strand). VCF-style: chr3-142432741-T-C. GRCh37 (hg19) VCF-style: chr3-142151583-T-C.
Other names: c.228A>G, p.Lys76= (NM_001282859.2, NM_019001.5).
Identifiers: ClinVar variation 2654203 (VCV002654203.24), dbSNP rs2472919036, ClinGen allele CA436129720.
Genomic context (GRCh38, chr3:142,432,741, plus strand): 5'-CTGGTTCATTTTTGCTCGAGGAGCCACACCATCTACAGCCATAAAGAACACTTTCCTGGG[T>C]TTAATAATGCGAAACAACACCTCCAGGTAGTGAAAAATATCAGTAAAGATTTTATCATCT-3'
Protein context (NP_001269786.1, residues 66-86): HYLEVLFRII[Lys76=]PRKVFFMAVD

ClinVar aggregate classification (germline): Likely benign (1 of 4 stars; one submission).

Submission:

CeGaT Center for Human Genetics Tuebingen
Classification: Likely benign. Last evaluated: 2022-11-01. Review status: criteria provided, single submitter. Criteria: CeGaT Center For Human Genetics Tuebingen Variant Classification Criteria Version 2. Collection method: clinical testing. Allele origin: germline. Affected: yes. Observed: 1 variant allele.
Comment: XRN1: PM2:Supporting, BP4, BP7